The following is an entry in ClinVar:

NM_032382.5(COG8):c.1340A>G (p.Asn447Ser)

Gene: COG8 (component of oligomeric golgi complex 8; minus strand). Cytogenetic location: 16q22.1.
Variant type: single nucleotide variant.
Coding change: c.1340A>G on transcript NM_032382.5 (MANE Select); coding-DNA position 1340, A replaced by G.
Protein change: p.Asn447Ser; replaces asparagine 447 with serine.
Molecular consequence: missense variant.
Genome position (GRCh38, 1-based): chr16:69,334,594, T>C on the plus strand (A>G on the coding strand, the complement: COG8 is on the minus strand). VCF-style: chr16-69334594-T-C. GRCh37 (hg19) VCF-style: chr16-69368497-T-C.
Other names: c.1340A>G, p.Asn447Ser (NM_001374871.1, NM_001379261.1, NM_001379262.1 and 4 more transcripts); short protein forms N447S.
Identifiers: ClinVar variation 1507365 (VCV001507365.8), dbSNP rs759388730, ClinGen allele CA8133745.

ClinVar aggregate classification (germline): Uncertain significance (1 of 4 stars; one submission).

Conditions:
COG8-congenital disorder of glycosylation. Also called: CDG IIh; COG8-CDG. Identifiers: Orphanet 95428, MedGen C1970021, MONDO:0012635, OMIM 611182.

Allele frequency attached by ClinVar (database versions not stated): gnomAD exomes below 0.00001 and 0.00001; TOPMed below 0.00001; ExAC 0.00001.

Submission:

Labcorp Genetics (formerly Invitae), Labcorp
Classification: Uncertain significance for COG8-congenital disorder of glycosylation. Last evaluated: 2020-12-30. Review status: criteria provided, single submitter. Criteria: Invitae Variant Classification Sherloc (09022015). Collection method: clinical testing. Allele origin: germline.
Comment: In summary, the available evidence is currently insufficient to determine the role of this variant in disease. Therefore, it has been classified as a Variant of Uncertain Significance. Algorithms developed to predict the effect of sequence changes on RNA splicing suggest that this variant may create or strengthen a splice site, but this prediction has not been confirmed by published transcriptional studies. Algorithms developed to predict the effect of missense changes on protein structure and function (SIFT, PolyPhen-2, Align-GVGD) all suggest that this variant is likely to be disruptive, but these predictions have not been confirmed by published functional studies and their clinical significance is uncertain. This variant has not been reported in the literature in individuals with COG8-related conditions. This variant is present in population databases (rs759388730, ExAC 0.006%). This sequence change replaces asparagine with serine at codon 447 of the COG8 protein (p.Asn447Ser). The asparagine residue is highly conserved and there is a small physicochemical difference between asparagine and serine.